The following is an entry in ClinVar:

ClinVar aggregate classification (germline): Benign/Likely benign. Review status: criteria provided, multiple submitters, no conflicts (2 of 4 stars). 4 submissions from 4 submitters: Benign (2); Likely benign (1). 1 of the submissions does not count toward it. Last evaluated 2025-10-27.

Conditions:
Developmental and epileptic encephalopathy, 8 (DEE8). Also called: HYPEREKPLEXIA AND EPILEPSY. Identifiers: Orphanet 163985, Orphanet 2076, MedGen C1845102, MONDO:0010375, OMIM 300607.
Inborn genetic diseases. Identifiers: MedGen C0950123, MeSH D030342.
ARHGEF9-related disorder. Also called: ARHGEF9-related condition.

Allele frequency attached by ClinVar (database versions not stated): gnomAD exomes 0.00011 and 0.00019; TOPMed 0.00013; ExAC 0.00014; gnomAD 0.00019 and 0.00020; ESP Exome Variant Server 0.00028.
gnomAD v4.1: 144 of 1,206,519 alleles (0.012%); highest among the groups gnomAD compares: Non-Finnish European, 0.0072%; no homozygotes.

Submissions (4):

Labcorp Genetics (formerly Invitae), Labcorp
Classification: Benign for Developmental and epileptic encephalopathy, 8. Last evaluated: 2025-10-27. Review status: criteria provided, single submitter. Criteria: Invitae Variant Classification Sherloc (09022015). Collection method: clinical testing. Allele origin: germline.

GeneDx
Classification: Likely benign. Last evaluated: 2017-09-25. Review status: criteria provided, single submitter. Criteria: GeneDx Variant Classification (06012015). Collection method: clinical testing. Allele origin: germline. Affected: yes.
Comment: This variant is considered likely benign or benign based on one or more of the following criteria: it is a conservative change, it occurs at a poorly conserved position in the protein, it is predicted to be benign by multiple in silico algorithms, and/or has population frequency not consistent with disease.

Ambry Genetics
Classification: Benign for Inborn genetic diseases. Last evaluated: 2017-06-19. Review status: criteria provided, single submitter. Criteria: Ambry Variant Classification Scheme 2023. Collection method: clinical testing. Allele origin: germline.

PreventionGenetics, part of Exact Sciences
Classification: Likely benign for ARHGEF9-related condition. Last evaluated: 2019-07-10. Review status: no assertion criteria provided. Collection method: clinical testing. Allele origin: germline. Not counted in ClinVar's aggregate classification.
Comment: This variant is classified as likely benign based on ACMG/AMP sequence variant interpretation guidelines (Richards et al. 2015 PMID: 25741868, with internal and published modifications).

NM_001353921.2(ARHGEF9):c.946-4C>A

Gene: ARHGEF9 (Cdc42 guanine nucleotide exchange factor 9; minus strand). Cytogenetic location: Xq11.1.
Variant type: single nucleotide variant.
Coding change: c.946-4C>A on transcript NM_001353921.2 (MANE Select); 4 bases into the intron before coding-DNA position 946, C replaced by A.
Molecular consequence: intron variant.
Genome position (GRCh38, 1-based): chrX:63,666,021, G>T on the plus strand (C>A on the coding strand, the complement: ARHGEF9 is on the minus strand). VCF-style: chrX-63666021-G-T. GRCh37 (hg19) VCF-style: chrX-62885901-G-T.
Other names: c.766-4C>A (NM_001173479.2); c.945+8017C>A (NM_001353922.2); c.862-4C>A (NM_001369043.1, NM_001330495.2, NM_001369038.1 and 6 more transcripts); c.964-4C>A (NM_001353923.1); c.861+8017C>A (NM_001369041.1, NM_001353927.2); c.745-4C>A (NM_001369040.1, NM_001369039.1, NM_001353926.2 and 1 more transcripts); c.925-4C>A (NM_001369031.1, NM_001369030.1, NM_001369032.1 and 1 more transcripts); c.510+8017C>A (NM_001369045.1); and 2 more.
Identifiers: ClinVar variation 512332 (VCV000512332.14), dbSNP rs56398019, ClinGen allele CA10431880.